The following is an entry in ClinVar:

ClinVar aggregate classification (germline): Benign/Likely benign. Review status: criteria provided, multiple submitters, no conflicts (2 of 4 stars). 6 submissions from 6 submitters: Benign (1); Likely benign (4). 1 of the submissions does not count toward it. Last evaluated 2026-01-26.

Conditions:
GLDC-related disorder. Also called: GLDC-related condition.
Glycine encephalopathy. Also called: Nonketotic hyperglycinemia; Non-ketotic hyperglycinemia. Identifiers: Orphanet 407, MedGen C0751748, MONDO:0011612, HP:0008288.

Allele frequency attached by ClinVar (database versions not stated): gnomAD exomes 0.00026; ExAC 0.00046; gnomAD 0.00091 and 0.00096; ESP Exome Variant Server 0.00092; TOPMed 0.00098; 1000 Genomes Project 0.00220; 1000 Genomes Project 30x 0.00234.
gnomAD v4.1: 288 of 1,604,580 alleles (0.018%); highest among the groups gnomAD compares: African/African-American, 0.35%; 2 homozygotes.

Submissions (6):

Labcorp Genetics (formerly Invitae), Labcorp
Classification: Benign for Glycine encephalopathy. Last evaluated: 2026-01-26. Review status: criteria provided, single submitter. Criteria: Invitae Variant Classification Sherloc (09022015). Collection method: clinical testing. Allele origin: germline.

Mayo Clinic Laboratories, Mayo Clinic
Classification: Likely benign. Last evaluated: 2025-06-13. Review status: criteria provided, single submitter. Criteria: ACMG Guidelines, 2015. Collection method: clinical testing. Allele origin: germline. Observed: 1 variant allele.
Comment: BS1, BP4, BP7

Blueprint Genetics
Classification: Likely benign. Last evaluated: 2024-11-06. Review status: criteria provided, single submitter. Criteria: ACMG Guidelines, 2015. Collection method: clinical testing. Allele origin: germline.

CeGaT Center for Human Genetics Tuebingen
Classification: Likely benign. Last evaluated: 2022-03-01. Review status: criteria provided, single submitter. Criteria: CeGaT Center For Human Genetics Tuebingen Variant Classification Criteria Version 2. Collection method: clinical testing. Allele origin: germline. Affected: yes. Observed: 1 variant allele.
Comment: GLDC: BP4, BP7

GeneDx
Classification: Likely benign. Last evaluated: 2021-03-10. Review status: criteria provided, single submitter. Criteria: GeneDx Variant Classification Process June 2021. Collection method: clinical testing. Allele origin: germline. Affected: yes.

PreventionGenetics, part of Exact Sciences
Classification: Likely benign for GLDC-related condition. Last evaluated: 2019-07-11. Review status: no assertion criteria provided. Collection method: clinical testing. Allele origin: germline. Not counted in ClinVar's aggregate classification.
Comment: This variant is classified as likely benign based on ACMG/AMP sequence variant interpretation guidelines (Richards et al. 2015 PMID: 25741868, with internal and published modifications).

NM_000170.3(GLDC):c.222C>T (p.Asp74=)

Gene: GLDC (glycine decarboxylase; minus strand). Cytogenetic location: 9p24.1.
Variant type: single nucleotide variant.
Coding change: c.222C>T on transcript NM_000170.3 (MANE Select); coding-DNA position 222, C replaced by T.
Protein change: p.Asp74=; no amino-acid change (aspartic acid 74 retained).
Molecular consequence: synonymous variant.
Genome position (GRCh38, 1-based): chr9:6,645,278, G>A on the plus strand (C>T on the coding strand, the complement: GLDC is on the minus strand). VCF-style: chr9-6645278-G-A. GRCh37 (hg19) VCF-style: chr9-6645278-G-A.
Other names: p.Asp74=.
Identifiers: ClinVar variation 462866 (VCV000462866.45), dbSNP rs148373517, ClinGen allele CA4981269.
Genomic context (GRCh38, chr9:6,645,278, plus strand): 5'-CGCGGAGGGCCGGGTGGAGGTCCTTACCGCCAGCCCCAAGGTCTGCAGCATCTCTCTCTG[G>A]TCTTTGTCCCCAGGGCCGATGTGCCTCCGAGCGAAGTCGTCGTGTCTGGGCAGAAGGCGC-3'
Protein context (NP_000161.2, residues 64-84): ARRHIGPGDK[Asp74=]QREMLQTLGL